The following is an entry in ClinVar:

NM_144643.4(SCLT1):c.1047G>C (p.Gln349His)

Gene: SCLT1 (sodium channel and clathrin linker 1; minus strand). Cytogenetic location: 4q28.2.
Variant type: single nucleotide variant.
Coding change: c.1047G>C on transcript NM_144643.4 (MANE Select); coding-DNA position 1047, G replaced by C.
Protein change: p.Gln349His; replaces glutamine 349 with histidine.
Molecular consequence: missense variant.
Genome position (GRCh38, 1-based): chr4:128,959,600, C>G on the plus strand (G>C on the coding strand, the complement: SCLT1 is on the minus strand). VCF-style: chr4-128959600-C-G. GRCh37 (hg19) VCF-style: chr4-129880755-C-G.
Other names: c.1047G>C, p.Gln349His (NM_001410807.1); short protein forms Q349H.
Identifiers: ClinVar variation 5001624 (VCV005001624.1).

ClinVar aggregate classification (germline): Uncertain significance (1 of 4 stars; one submission).

Conditions:
SCLT1-related disorder. Also called: SCLT1-related condition.

gnomAD v4.1: 2 of 1,611,080 alleles (0.00012%); highest among the groups gnomAD compares: Non-Finnish European, 0.000085%; no homozygotes.

Submission:

PreventionGenetics, part of Exact Sciences
Classification: Uncertain significance for SCLT1-related condition. Last evaluated: 2026-06-12. Review status: criteria provided, single submitter. Criteria: ACMG Guidelines, 2015. Collection method: clinical testing. Allele origin: germline.
Comment: The SCLT1 c.1047G>C variant is predicted to result in the amino acid substitution p.Gln349His. To our knowledge, this variant has not been reported in the literature. This variant is reported in 0.0099% of alleles in individuals of Ashkenazi Jewish descent in gnomAD. At this time, the clinical significance of this variant is uncertain due to the absence of conclusive functional and genetic evidence.